The following is an entry in ClinVar:

NM_020207.7(ERCC6L2):c.931C>A (p.Leu311Met)

Gene: ERCC6L2 (ERCC excision repair 6 like 2; plus strand). Cytogenetic location: 9q22.32.
Variant type: single nucleotide variant.
Coding change: c.931C>A on transcript NM_020207.7 (MANE Select); coding-DNA position 931, C replaced by A.
Protein change: p.Leu311Met; replaces leucine 311 with methionine.
Molecular consequence: missense variant. On other transcripts: non-coding transcript variant (1).
Genome position (GRCh38, 1-based): chr9:95,915,810, C>A. VCF-style: chr9-95915810-C-A. GRCh37 (hg19) VCF-style: chr9-98678092-C-A.
Other names: c.931C>A, p.Leu311Met (NM_001010895.4, NM_001375291.1, NM_001375292.1 and 2 more transcripts); short protein forms L311M.
Identifiers: ClinVar variation 3509971 (VCV003509971.1).

ClinVar aggregate classification (germline): Uncertain significance (1 of 4 stars; one submission).

Conditions:
Inborn genetic diseases. Identifiers: MedGen C0950123, MeSH D030342.

Submission:

Ambry Genetics
Classification: Uncertain significance for Inborn genetic diseases. Last evaluated: 2024-11-23. Review status: criteria provided, single submitter. Criteria: Ambry Variant Classification Scheme 2023. Collection method: clinical testing. Allele origin: germline.
Comment: The p.L311M variant (also known as c.931C>A), located in coding exon 5 of the ERCC6L2 gene, results from a C to A substitution at nucleotide position 931. The leucine at codon 311 is replaced by methionine, an amino acid with highly similar properties. This amino acid position is conserved. In addition, this alteration is predicted to be deleterious by in silico analysis. Based on the available evidence, the clinical significance of this variant remains unclear.